The following is an entry in ClinVar:

ClinVar aggregate classification (germline): Uncertain significance (1 of 4 stars; one submission).

Conditions:
Hereditary pancreatitis (PCTT). Also called: Hereditary chronic pancreatitis; PRSS1-Related Hereditary Pancreatitis. Identifiers: Orphanet 676, MedGen C0238339, MONDO:0008185, OMIM 167800.

Submission:

Ambry Genetics
Classification: Uncertain significance for Hereditary pancreatitis. Last evaluated: 2025-03-15. Review status: criteria provided, single submitter. Criteria: Ambry Variant Classification Scheme 2023. Collection method: clinical testing. Allele origin: germline.
Comment: The p.Y419N variant (also known as c.1255T>A), located in coding exon 10 of the CPA1 gene, results from a T to A substitution at nucleotide position 1255. The tyrosine at codon 419 is replaced by asparagine, an amino acid with dissimilar properties. This amino acid position is conserved. In addition, the in silico prediction for this alteration is inconclusive. Based on the available evidence, the clinical significance of this variant remains unclear.

NM_001868.4(CPA1):c.1255T>A (p.Tyr419Asn)

Gene: CPA1 (carboxypeptidase A1; plus strand). Cytogenetic location: 7q32.2.
Variant type: single nucleotide variant.
Coding change: c.1255T>A on transcript NM_001868.4 (MANE Select); coding-DNA position 1255, T replaced by A.
Protein change: p.Tyr419Asn; replaces tyrosine 419 with asparagine.
Molecular consequence: missense variant.
Genome position (GRCh38, 1-based): chr7:130,388,006, T>A. VCF-style: chr7-130388006-T-A. GRCh37 (hg19) VCF-style: chr7-130027847-T-A.
Other names: short protein forms Y419N.
Identifiers: ClinVar variation 4006044 (VCV004006044.1).